The following is an entry in ClinVar:

NM_000824.5(GLRB):c.451G>A (p.Ala151Thr)

Gene: GLRB (glycine receptor beta; plus strand). Cytogenetic location: 4q32.1.
Variant type: single nucleotide variant.
Coding change: c.451G>A on transcript NM_000824.5 (MANE Select); coding-DNA position 451, G replaced by A.
Protein change: p.Ala151Thr; replaces alanine 151 with threonine.
Molecular consequence: missense variant.
Genome position (GRCh38, 1-based): chr4:157,136,622, G>A. VCF-style: chr4-157136622-G-A. GRCh37 (hg19) VCF-style: chr4-158057774-G-A.
Other names: c.451G>A, p.Ala151Thr (NM_001166060.2, NM_001166061.2); short protein forms A151T.
Identifiers: ClinVar variation 2142986 (VCV002142986.2), dbSNP rs1560962599, ClinGen allele CA358642614.
Genomic context (GRCh38, chr4:157,136,622, plus strand): 5'-GATCCAACAATGTACAAGTGTTTATGGAAACCTGATTTATTTTTTGCAAATGAAAAAAGT[G>A]CCAATTTTCATGATGTGACCCAGGAAAACATCCTCCTCTTTATTTTTCGTGATGGAGATG-3'
Protein context (NP_000815.1, residues 141-161): PDLFFANEKS[Ala151Thr]NFHDVTQENI

ClinVar aggregate classification (germline): Uncertain significance (1 of 4 stars; one submission).

Conditions:
Hyperekplexia 2 (HKPX2). Identifiers: Orphanet 3197, MedGen C3553291, MONDO:0013828, OMIM 614619.

Submission:

Labcorp Genetics (formerly Invitae), Labcorp
Classification: Uncertain significance for Hyperekplexia 2. Last evaluated: 2025-10-26. Review status: criteria provided, single submitter. Criteria: Invitae Variant Classification Sherloc (09022015). Collection method: clinical testing. Allele origin: germline.
Comment: This sequence change replaces alanine, which is neutral and non-polar, with threonine, which is neutral and polar, at codon 151 of the GLRB protein (p.Ala151Thr). This variant is not present in population databases (gnomAD no frequency). This variant has not been reported in the literature in individuals affected with GLRB-related conditions. ClinVar contains an entry for this variant (Variation ID: 2142986). Invitae Evidence Modeling of protein sequence and biophysical properties (such as structural, functional, and spatial information, amino acid conservation, physicochemical variation, residue mobility, and thermodynamic stability) indicates that this missense variant is not expected to disrupt GLRB protein function with a negative predictive value of 80%. In summary, the available evidence is currently insufficient to determine the role of this variant in disease. Therefore, it has been classified as a Variant of Uncertain Significance.